The following is an entry in ClinVar:

NC_000013.10:g.(?_49037857)_(49039514_?)dup

Gene: RB1 (RB transcriptional corepressor 1; plus strand). Cytogenetic location: 13q14.2.
Variant type: Duplication.
Identifiers: ClinVar variation 3244135 (VCV003244135.1).

ClinVar aggregate classification (germline): Pathogenic (1 of 4 stars; one submission).

Conditions:
Retinoblastoma (RB1). Also called: RETINOBLASTOMA, SOMATIC. Identifiers: Orphanet 790, MedGen C0035335, MeSH D012175, MONDO:0008380, OMIM 180200, HP:0009919. Disease mechanism: loss of function. Inheritance: Both sporadic and heritable forms are tested..

Submission:

Labcorp Genetics (formerly Invitae), Labcorp
Classification: Pathogenic for Retinoblastoma. Last evaluated: 2021-12-23. Review status: criteria provided, single submitter. Criteria: Invitae Variant Classification Sherloc (09022015). Collection method: clinical testing. Allele origin: unknown.
Comment: For these reasons, this variant has been classified as Pathogenic. A similar copy number variant has been observed in individual(s) with bilateral retinoblastoma (Invitae). This variant results in a copy number gain of the genomic region encompassing exon(s) 21-23 of the RB1 gene. While the exact position of this variant cannot be determined from the data, sub-genic copy number gains are generally in tandem (PMID: 25640679). This variant is predicted to be out-of-frame, and may result in an absent or disrupted protein product. Loss-of-function variants in RB1 are known to be pathogenic (PMID: 17096365).

Literature cited by the submitters: PubMed 25640679; PubMed 17096365.